The following is an entry in ClinVar:

NM_001083962.2(TCF4):c.990G>A (p.Ser330=)

Gene: TCF4 (transcription factor 4; minus strand). Cytogenetic location: 18q21.2.
Variant type: single nucleotide variant.
Coding change: c.990G>A on transcript NM_001083962.2 (MANE Select); coding-DNA position 990, G replaced by A.
Protein change: p.Ser330=; no amino-acid change (serine 330 retained).
Molecular consequence: synonymous variant.
Genome position (GRCh38, 1-based): chr18:55,261,466, C>T on the plus strand (G>A on the coding strand, the complement: TCF4 is on the minus strand). VCF-style: chr18-55261466-C-T. GRCh37 (hg19) VCF-style: chr18-52928697-C-T.
Other names: NM_001083962.2(TCF4):c.990G>A; c.1296G>A, p.Ser432= (NM_001243226.3); c.918G>A, p.Ser306= (NM_001243227.2, NM_001306207.1, NM_001348217.1 and 9 more transcripts); c.1008G>A, p.Ser336= (NM_001243228.2); c.984G>A, p.Ser328= (NM_001243230.2); c.864G>A, p.Ser288= (NM_001243231.2, NM_001348211.2); c.777G>A, p.Ser259= (NM_001243232.1, NM_001306208.1); c.600G>A, p.Ser200= (NM_001243233.2, NM_001330605.3, NM_001348212.2 and 1 more transcripts); and 5 more.
Identifiers: ClinVar variation 160092 (VCV000160092.42), dbSNP rs587784469, ClinGen allele CA272714.

ClinVar aggregate classification (germline): Pathogenic. Review status: reviewed by expert panel (3 of 4 stars). 8 submissions from 8 submitters: Pathogenic (1). 7 of the submissions do not count toward it. Last evaluated 2024-02-23.

Conditions:
Pitt-Hopkins syndrome (PTHS). Also called: MENTAL RETARDATION, SYNDROMAL, WITH INTERMITTENT HYPERVENTILATION; ENCEPHALOPATHY, SEVERE EPILEPTIC, WITH AUTONOMIC DYSFUNCTION. Identifiers: Orphanet 2896, MedGen C1970431, MONDO:0012589, OMIM 610954.

Submissions (8):

ClinGen Rett and Angelman-like Disorders Variant Curation Expert Panel
Classification: Pathogenic for Pitt-Hopkins syndrome. Last evaluated: 2024-02-23. Review status: reviewed by expert panel. Criteria: ClinGen RettAS ACMG Specifications TCF4 V3.0.0. Collection method: curation. Allele origin: germline. Inheritance: Autosomal dominant inheritance.
Comment: The p.Ser330= variant in TCF4 is absent from gnomAD v4 (PM2_supporting). Splice prediction analysis using multiple computational tools suggests an impact to splicing (PP3). The p.Ser330= variant has been observed in at least 2 individuals with intellectual disability/autism (PMIDs: 29695756, 25693842) (PS4_supporting). The p.Ser330= variant in TCF4 has been reported as a de novo occurrence (biological parentage unconfirmed) in an individual with intellectual disability (PMID: 25693842, internal database -Invitae) (PM6). The p.Ser330= variant in TCF4 has been reported as a de novo occurrence (biological parentage confirmed) in at least 3 individuals with intellectual disability/autism (PMIDs: 29695756, 29158550, 31785789, 1981491, 33767182, internal database - Invitae) (PS2_very strong). In summary, the p.Ser330= variant in TCF4 is classified as pathogenic for Pitt-Hopkins syndrome based on the ACMG/AMP criteria (PM2_supporting, PP3, PS4_supporting, PM6, PS2_very strong).

Revvity Omics, Revvity
Classification: Pathogenic. Last evaluated: 2024-12-17. Review status: criteria provided, single submitter. Criteria: ACMG Guidelines, 2015. Collection method: clinical testing. Allele origin: germline. Not counted in ClinVar's aggregate classification.

Institute for Clinical Genetics, University Hospital TU Dresden, University Hospital TU Dresden
Classification: Pathogenic. Last evaluated: 2023-05-19. Review status: criteria provided, single submitter. Criteria: ACMG Guidelines, 2015. Collection method: clinical testing. Allele origin: germline. Not counted in ClinVar's aggregate classification.
Comment: PS4, PP3, PM2_SUP

CeGaT Center for Human Genetics Tuebingen
Classification: Likely pathogenic. Last evaluated: 2023-04-01. Review status: criteria provided, single submitter. Criteria: CeGaT Center For Human Genetics Tuebingen Variant Classification Criteria Version 2. Collection method: clinical testing. Allele origin: germline. Affected: yes. Observed: 1 variant allele. Not counted in ClinVar's aggregate classification.
Comment: TCF4: PS2, PM2:Supporting, PP3, PS4:Supporting

Women's Health and Genetics/Laboratory Corporation of America, LabCorp
Classification: Pathogenic for Pitt-Hopkins syndrome. Last evaluated: 2023-02-16. Review status: criteria provided, single submitter. Criteria: LabCorp Variant Classification Summary - May 2015. Collection method: clinical testing. Allele origin: germline. Not counted in ClinVar's aggregate classification.
Comment: Variant summary: TCF4 c.990G>A (p.Ser330Ser) alters the non-conserved last nucleotide of exon 12 and therefore could affect mRNA splicing, leading to a significantly altered protein sequence. Several computational tools predict a significant impact on normal splicing: Three predict the variant abolishes a 5' splicing donor site. One submitter via Clinvar stated that an in house splicing assay showed aberrant splicing, however did not provide supporting data (Institute of Human Genetics, FAU Erlangen, Friedrich-Alexander-Universitt Erlangen-Nrnberg). The variant was absent in 250940 control chromosomes. c.990G>A has been reported in the literature in individuals affected with Pitt-Hopkins Syndrome, autism spectrum disorder, intellectual disabilities, and neurodevelopmental disorders, including multiple affected individuals in which the variant was de novo (e.g., Geoffrey_2015, Tan_2016, Popp_2017, Mary_2018, Turner_2019, Satterstrom_2020, Martinez-Granero_2021). These data indicate that the variant is likely to be associated with disease. To our knowledge, no experimental evidence demonstrating an impact on protein function has been reported in the literature. Three ClinVar submitters (evaluation after 2014) have cited the variant, and all laboratories classified the variant as pathogenic (n = 2) or likely pathogenic (n = 1). Based on the evidence outlined above, the variant was classified as pathogenic.

GeneDx
Classification: Pathogenic. Last evaluated: 2022-08-28. Review status: criteria provided, single submitter. Criteria: GeneDx Variant Classification Process June 2021. Collection method: clinical testing. Allele origin: germline. Affected: yes. Not counted in ClinVar's aggregate classification.
Comment: Not observed at significant frequency in large population cohorts (gnomAD); In silico analysis supports a deleterious effect on splicing; This variant is associated with the following publications: (PMID: 25693842, 29695756, 33767182, 28191890, 22495309, 25780760, 32579932, 27694994, 31785789, 29158550, 32369273, 31069529, 31981491)

Institute of Human Genetics, FAU Erlangen, Friedrich-Alexander-Universität Erlangen-Nürnberg
Classification: Pathogenic for Pitt-Hopkins syndrome. Last evaluated: 2017-08-01. Review status: criteria provided, single submitter. Criteria: ACMG Guidelines, 2015. Collection method: clinical testing. Allele origin: de novo. Inheritance: Sporadic. Affected: yes. Observed: 1 variant allele, 1 heterozygote. Not counted in ClinVar's aggregate classification.
Comment: This Variant has been previously reported as de novo (PMID22495309) in a patient with ID. In house splicing assays showed aberrant splicing. The variant is thus scored as pathogenic (ACMG class 5).

Genetic Services Laboratory, University of Chicago
Classification: Likely pathogenic for Pitt-Hopkins syndrome. Last evaluated: 2014-02-20. Review status: criteria provided, single submitter. Criteria: ACMG Guidelines, 2007. Collection method: clinical testing. Allele origin: germline. Inheritance: Autosomal dominant inheritance. Affected: yes. Not counted in ClinVar's aggregate classification.

Literature cited by the submitters: PubMed 25780760 (cited by Women's Health and Genetics/Laboratory Corporation of America, LabCorp); PubMed 31785789 (cited by Women's Health and Genetics/Laboratory Corporation of America, LabCorp); PubMed 33767182 (cited by Women's Health and Genetics/Laboratory Corporation of America, LabCorp); PubMed 29695756 (cited by Women's Health and Genetics/Laboratory Corporation of America, LabCorp); PubMed 29158550 (cited by Women's Health and Genetics/Laboratory Corporation of America, LabCorp); PubMed 31981491 (cited by Women's Health and Genetics/Laboratory Corporation of America, LabCorp); PubMed 25693842 (cited by Women's Health and Genetics/Laboratory Corporation of America, LabCorp).